The following is an entry in ClinVar:

ClinVar aggregate classification (germline): Likely pathogenic. Review status: criteria provided, multiple submitters, no conflicts (2 of 4 stars). 3 submissions from 3 submitters: Likely pathogenic (3). Last evaluated 2024-01-04.

Conditions:
Familial isolated deficiency of vitamin E (AVED). Also called: Ataxia with isolated vitamin E deficiency; ATAXIA, FRIEDREICH-LIKE, WITH SELECTIVE VITAMIN E DEFICIENCY. Identifiers: Orphanet 96, MedGen C1848533, MONDO:0010188, OMIM 277460.

Allele frequency attached by ClinVar (database versions not stated): gnomAD exomes below 0.00001.
gnomAD v4.1: 5 of 1,536,762 alleles (0.00033%); highest among the groups gnomAD compares: Non-Finnish European, 0.00044%; no homozygotes.

Submissions (3):

Fulgent Genetics
Classification: Likely pathogenic for Familial isolated deficiency of vitamin E. Last evaluated: 2024-01-04. Review status: criteria provided, single submitter. Criteria: ACMG Guidelines, 2015. Collection method: clinical testing. Allele origin: germline.

Baylor Genetics
Classification: Likely pathogenic for Familial isolated deficiency of vitamin E. Last evaluated: 2022-04-19. Review status: criteria provided, single submitter. Criteria: ACMG Guidelines, 2015. Collection method: clinical testing. Allele origin: unknown.

Athena Diagnostics
Classification: Likely pathogenic. Last evaluated: 2020-12-29. Review status: criteria provided, single submitter. Criteria: Athena Diagnostics criteria. Collection method: clinical testing. Allele origin: unknown.
Comment: This variant has not been reported in large, multi-ethnic general populations. This variant appears to segregate with disease in at least one family, however, the available information does not rule out segregation due to chance. Computational tools predict that this variant is damaging.

Literature cited by the submitters: PubMed 27021565 (cited by Athena Diagnostics).

NM_000370.3(TTPA):c.173C>A (p.Ala58Asp)

Gene: TTPA (alpha tocopherol transfer protein; minus strand). Cytogenetic location: 8q12.3.
Variant type: single nucleotide variant.
Coding change: c.173C>A on transcript NM_000370.3 (MANE Select); coding-DNA position 173, C replaced by A.
Protein change: p.Ala58Asp; replaces alanine 58 with aspartic acid.
Molecular consequence: missense variant.
Genome position (GRCh38, 1-based): chr8:63,085,849, G>T on the plus strand (C>A on the coding strand, the complement: TTPA is on the minus strand). VCF-style: chr8-63085849-G-T. GRCh37 (hg19) VCF-style: chr8-63998408-G-T.
Other names: short protein forms A58D.
Identifiers: ClinVar variation 1256475 (VCV001256475.3), dbSNP rs1805742556, ClinGen allele CA371403410.